The following is an entry in ClinVar:

NM_030662.4(MAP2K2):c.92+11A>C

Genes: MAP2K2 (mitogen-activated protein kinase kinase 2; minus strand), LOC130063193 (ATAC-STARR-seq lymphoblastoid silent region 9881; plus strand). Cytogenetic location: 19p13.3.
Variant type: single nucleotide variant.
Coding change: c.92+11A>C on transcript NM_030662.4 (MANE Select); 11 bases into the intron after coding-DNA position 92, A replaced by C.
Molecular consequence: intron variant.
Genome position (GRCh38, 1-based): chr19:4,123,773, T>G on the plus strand (A>C on the coding strand, the complement: MAP2K2 is on the minus strand). VCF-style: chr19-4123773-T-G. GRCh37 (hg19) VCF-style: chr19-4123770-T-G.
Identifiers: ClinVar variation 510782 (VCV000510782.6), dbSNP rs1228838756, ClinGen allele CA631534709.

ClinVar aggregate classification (germline): Likely benign. Review status: criteria provided, multiple submitters, no conflicts (2 of 4 stars). 2 submissions from 2 submitters: Likely benign (2). Last evaluated 2023-10-11.

Conditions:
RASopathy. Also called: rasopathies; Noonan spectrum disorder. Identifiers: Orphanet 536391, MedGen C5555857, MONDO:0021060.

Allele frequency attached by ClinVar (database versions not stated): TOPMed below 0.00001; gnomAD 0.00001.

Submissions (2):

Labcorp Genetics (formerly Invitae), Labcorp
Classification: Likely benign for RASopathy. Last evaluated: 2023-10-11. Review status: criteria provided, single submitter. Criteria: Invitae Variant Classification Sherloc (09022015). Collection method: clinical testing. Allele origin: germline.

GeneDx
Classification: Likely benign. Last evaluated: 2017-07-13. Review status: criteria provided, single submitter. Criteria: GeneDx Variant Classification (06012015). Collection method: clinical testing. Allele origin: germline. Affected: yes.
Comment: This variant is considered likely benign or benign based on one or more of the following criteria: it is a conservative change, it occurs at a poorly conserved position in the protein, it is predicted to be benign by multiple in silico algorithms, and/or has population frequency not consistent with disease.